The following is an entry in ClinVar:

NM_014991.6(WDFY3):c.5251T>G (p.Cys1751Gly)

Gene: WDFY3 (WD repeat and FYVE domain containing 3; minus strand). Cytogenetic location: 4q21.23.
Variant type: single nucleotide variant.
Coding change: c.5251T>G on transcript NM_014991.6 (MANE Select); coding-DNA position 5251, T replaced by G.
Protein change: p.Cys1751Gly; replaces cysteine 1751 with glycine.
Molecular consequence: missense variant.
Genome position (GRCh38, 1-based): chr4:84,757,099, A>C on the plus strand (T>G on the coding strand, the complement: WDFY3 is on the minus strand). VCF-style: chr4-84757099-A-C. GRCh37 (hg19) VCF-style: chr4-85678252-A-C.
Other names: c.5251T>G (NM_014991.4); short protein forms C1751G.
Identifiers: ClinVar variation 2654872 (VCV002654872.26), dbSNP rs150181993, ClinGen allele CA2993077.

ClinVar aggregate classification (germline): Likely benign. Review status: criteria provided, multiple submitters, no conflicts (2 of 4 stars). 3 submissions from 3 submitters: Likely benign (2). 1 of the submissions does not count toward it. Last evaluated 2026-09-01.

Conditions:
WDFY3-related disorder.

Allele frequency attached by ClinVar (database versions not stated): 1000 Genomes Project 30x 0.00016; 1000 Genomes Project 0.00020; gnomAD 0.00115; ExAC 0.00117; ESP Exome Variant Server 0.00123; TOPMed 0.00123; gnomAD exomes 0.00232.
gnomAD v4.1: 3,558 of 1,614,042 alleles (0.22%); highest among the groups gnomAD compares: Non-Finnish European, 0.26%; 11 homozygotes.

Submissions (3):

CeGaT Center for Human Genetics Tuebingen
Classification: Likely benign. Last evaluated: 2026-09-01. Review status: criteria provided, single submitter. Criteria: CeGaT Center For Human Genetics Tuebingen Variant Classification Criteria Version 2. Collection method: clinical testing. Allele origin: germline. Affected: yes. Observed: 5 variant alleles.
Comment: WDFY3: BS1

Blueprint Genetics
Classification: Likely benign. Last evaluated: 2024-10-18. Review status: criteria provided, single submitter. Criteria: ACMG Guidelines, 2015. Collection method: clinical testing. Allele origin: germline.

PreventionGenetics, part of Exact Sciences
Classification: Likely benign for WDFY3-related condition. Last evaluated: 2023-06-22. Review status: no assertion criteria provided. Collection method: clinical testing. Allele origin: germline. Not counted in ClinVar's aggregate classification.
Comment: This variant is classified as likely benign based on ACMG/AMP sequence variant interpretation guidelines (Richards et al. 2015 PMID: 25741868, with internal and published modifications).